The following is an entry in ClinVar:

ClinVar aggregate classification (germline): Likely pathogenic (1 of 4 stars; one submission).

Conditions:
Infantile cerebral and cerebellar atrophy with postnatal progressive microcephaly (MSBA). Identifiers: Orphanet 402364, MedGen C3150921, MONDO:0013351, OMIM 613668.

Submission:

Natera, Inc.
Classification: Likely pathogenic for Postnatal progressive microcephaly with seizures and brain atrophy. Last evaluated: 2024-04-01. Review status: criteria provided, single submitter. Criteria: Natera Variant Classification Schema (03/2026). Collection method: clinical testing. Allele origin: germline.
Comment: The c.1630_1636delATGGGCT variant in MED17 is a frameshift variant predicted to shift the reading frame beginning at codon 544 and leads to a stop codon 4 codons downstream. This variant is expected to result in nonsense mediated decay, truncation, or a dysfunctional protein product. This variant is rare in the general population with a frequency below the threshold expected for the associated phenotype(s). Given the available evidence, this variant is classified as Likely Pathogenic.

NM_004268.5(MED17):c.1630_1636del (p.Met544fs)

Gene: MED17 (mediator complex subunit 17; plus strand). Cytogenetic location: 11q21.
Variant type: Deletion.
Coding change: c.1630_1636del on transcript NM_004268.5 (MANE Select); coding-DNA positions 1630 to 1636, 7 bases deleted (ATGGGCT; older notation c.1630_1636delATGGGCT).
Protein change: p.Met544fs; shifts the reading frame from methionine 544.
Molecular consequence: frameshift variant.
Genome position (GRCh38, 1-based): chr11:93,809,762-93,809,768, ATGGGCT deleted; deleting any 7 consecutive bases within chr11:93,809,761-93,809,768 gives the same sequence; the c. name uses the placement nearest the transcript's 3' end. VCF-style (leftmost placement, unchanged base first): chr11-93809760-TTATGGGC-T. GRCh37 (hg19) VCF-style: chr11-93542926-TTATGGGC-T.
Other names: short protein forms M544fs.
Identifiers: ClinVar variation 4815333 (VCV004815333.1).
Genomic context (GRCh38, chr11:93,809,760, plus strand): 5'-TCCTTTTTCATTCACAGATGTCACAGCACCAGGTACATGCAGTTCAGCAACTCGCCAAGG[TTATGGGC>T]TGGCAAGTACTGAGCTTCAGTAATCATGTGGGACTTGGACCTATAGAGAGCATTGGTAAT-3'